The following is an entry in ClinVar:

ClinVar aggregate classification (germline): Uncertain significance (1 of 4 stars; one submission).

gnomAD v4.1: 3 of 1,613,946 alleles (0.00019%); highest among the groups gnomAD compares: African/African-American, 0.004%; no homozygotes.

Submission:

Mayo Clinic Laboratories, Mayo Clinic
Classification: Uncertain significance. Last evaluated: 2024-02-07. Review status: criteria provided, single submitter. Criteria: ACMG Guidelines, 2015. Collection method: clinical testing. Allele origin: germline. Observed: 1 variant allele.
Comment: BP4, PM2

NM_001243133.2(NLRP3):c.2978A>G (p.Gln993Arg)

Gene: NLRP3 (NLR family pyrin domain containing 3; plus strand). Cytogenetic location: 1q44.
Variant type: single nucleotide variant.
Coding change: c.2978A>G on transcript NM_001243133.2 (MANE Select); coding-DNA position 2978, A replaced by G.
Protein change: p.Gln993Arg; replaces glutamine 993 with arginine.
Molecular consequence: missense variant.
Genome position (GRCh38, 1-based): chr1:247,444,794, A>G. VCF-style: chr1-247444794-A-G. GRCh37 (hg19) VCF-style: chr1-247608096-A-G.
Other names: p.Gln995Arg; c.2978A>G, p.Gln993Arg (NM_001079821.3); c.2807A>G, p.Gln936Arg (NM_001127461.3, NM_001127462.3); c.2984A>G, p.Gln995Arg (NM_004895.5); c.2636A>G, p.Gln879Arg (NM_183395.3); short protein forms Q879R, Q936R, Q993R, Q995R.
Identifiers: ClinVar variation 3380787 (VCV003380787.1).
Genomic context (GRCh38, chr1:247,444,794, plus strand): 5'-GCCTGGGCAACAATGACCTGGGCGACCTGGGGGTCATGATGTTCTGTGAAGTGCTGAAAC[A>G]GCAGAGCTGCCTCCTGCAGAACCTGGGGTGAGTGTGCTCTGCAGAGATGCCCGTGGTGGG-3'
Protein context (NP_001230062.1, residues 983-1003): GVMMFCEVLK[Gln993Arg]QSCLLQNLGL